The following is an entry in ClinVar:

NM_001098.3(ACO2):c.1113A>G (p.Glu371=)

Gene: ACO2 (aconitase 2; plus strand). Cytogenetic location: 22q13.2.
Variant type: single nucleotide variant.
Coding change: c.1113A>G on transcript NM_001098.3 (MANE Select); coding-DNA position 1113, A replaced by G.
Protein change: p.Glu371=; no amino-acid change (glutamic acid 371 retained).
Molecular consequence: synonymous variant.
Genome position (GRCh38, 1-based): chr22:41,520,251, A>G. VCF-style: chr22-41520251-A-G. GRCh37 (hg19) VCF-style: chr22-41916255-A-G.
Identifiers: ClinVar variation 797910 (VCV000797910.37), dbSNP rs372273291, ClinGen allele CA10257559.

ClinVar aggregate classification (germline): Likely benign. Review status: criteria provided, multiple submitters, no conflicts (2 of 4 stars). 5 submissions from 5 submitters: Likely benign (3). 2 of the submissions do not count toward it. Last evaluated 2025-12-10.

Allele frequency attached by ClinVar (database versions not stated): ExAC 0.00001; gnomAD 0.00004; gnomAD exomes 0.00004 and 0.00008; TOPMed 0.00004; ESP Exome Variant Server 0.00008.
gnomAD v4.1: 119 of 1,613,906 alleles (0.0074%); highest among the groups gnomAD compares: Non-Finnish European, 0.0097%; no homozygotes.

Submissions (5):

Labcorp Genetics (formerly Invitae), Labcorp
Classification: Likely benign. Last evaluated: 2025-12-10. Review status: criteria provided, single submitter. Criteria: Invitae Variant Classification Sherloc (09022015). Collection method: clinical testing. Allele origin: germline.

Blueprint Genetics
Classification: Likely benign. Last evaluated: 2024-03-19. Review status: criteria provided, single submitter. Criteria: ACMG Guidelines, 2015. Collection method: clinical testing. Allele origin: germline.

CeGaT Center for Human Genetics Tuebingen
Classification: Likely benign. Last evaluated: 2022-12-01. Review status: criteria provided, single submitter. Criteria: CeGaT Center For Human Genetics Tuebingen Variant Classification Criteria Version 2. Collection method: clinical testing. Allele origin: germline. Affected: yes. Observed: 1 variant allele.
Comment: ACO2: BP4, BP7

Clinical Genetics DNA and cytogenetics Diagnostics Lab, Erasmus MC, Erasmus Medical Center
Classification: Likely benign. Review status: no assertion criteria provided. Collection method: clinical testing. Allele origin: germline. Affected: yes. Study: VKGL Data-share Consensus. Not counted in ClinVar's aggregate classification.

Clinical Genetics, Academic Medical Center
Classification: Benign. Review status: no assertion criteria provided. Collection method: clinical testing. Allele origin: germline. Affected: yes. Study: VKGL Data-share Consensus. Not counted in ClinVar's aggregate classification.